The following is an entry in ClinVar:

ClinVar aggregate classification (germline): Pathogenic (1 of 4 stars; one submission).

Conditions:
Peutz-Jeghers syndrome (PJS). Also called: Peutz-Jeghers polyposis; Periorificial lentiginosis syndrome; POLYPOSIS, HAMARTOMATOUS INTESTINAL; POLYPS-AND-SPOTS SYNDROME. Identifiers: Orphanet 2869, MedGen C0031269, MeSH D010580, MONDO:0008280, OMIM 175200.

Submission:

Labcorp Genetics (formerly Invitae), Labcorp
Classification: Pathogenic for Peutz-Jeghers syndrome. Last evaluated: 2022-07-07. Review status: criteria provided, single submitter. Criteria: Invitae Variant Classification Sherloc (09022015). Collection method: clinical testing. Allele origin: germline.
Comment: This variant is a gross deletion of the genomic region encompassing exon(s) 3-5 of the STK11 gene. This variant would be expected to be in-frame, preserving the integrity of the reading frame. For these reasons, this variant has been classified as Pathogenic. This variant disrupts a region of the STK11 protein in which other variant(s) (p.Asp176Asn) have been determined to be pathogenic (PMID: 9399902, 9837816, 10441497, 15987703, 17924967, 24604241, 24652667). This suggests that this is a clinically significant region of the protein, and that variants that disrupt it are likely to be disease-causing. This variant has not been reported in the literature in individuals affected with STK11-related conditions.

Literature cited by the submitters: PubMed 9399902; PubMed 9837816; PubMed 10441497; PubMed 15987703; PubMed 17924967; PubMed 24604241; PubMed 24652667.

NC_000019.9:g.(?_1219313)_(1220726_?)del

Gene: STK11 (serine/threonine kinase 11; plus strand). Cytogenetic location: 19p13.3.
Variant type: Deletion.
Identifiers: ClinVar variation 2423119 (VCV002423119.3).